The following is an entry in ClinVar:

ClinVar aggregate classification (germline): Benign (1 of 4 stars; one submission).

Allele frequency attached by ClinVar (database versions not stated): TOPMed 0.29284; gnomAD 0.30584 and 0.31080; 1000 Genomes Project 30x 0.31871; 1000 Genomes Project 0.32049.

Submission:

GeneDx
Classification: Benign. Last evaluated: 2018-06-19. Review status: criteria provided, single submitter. Criteria: GeneDx Variant Classification (06012015). Collection method: clinical testing. Allele origin: germline. Affected: yes.
Comment: This variant is considered likely benign or benign based on one or more of the following criteria: it is a conservative change, it occurs at a poorly conserved position in the protein, it is predicted to be benign by multiple in silico algorithms, and/or has population frequency not consistent with disease.

NM_002180.3(IGHMBP2):c.548-274C>T

Gene: IGHMBP2 (immunoglobulin mu DNA binding protein 2; plus strand). Cytogenetic location: 11q13.3.
Variant type: single nucleotide variant.
Coding change: c.548-274C>T on transcript NM_002180.3 (MANE Select); 274 bases into the intron before coding-DNA position 548, C replaced by T.
Molecular consequence: intron variant.
Genome position (GRCh38, 1-based): chr11:68,911,166, C>T. VCF-style: chr11-68911166-C-T. GRCh37 (hg19) VCF-style: chr11-68678634-C-T.
Identifiers: ClinVar variation 668908 (VCV000668908.1), dbSNP rs583182, ClinGen allele CA13497172.
Genomic context (GRCh38, chr11:68,911,166, plus strand): 5'-GTGAATGTTTTGACTCTGTGGGCCATATCATACGTACCGTCTACAGCTGCCTGCTGTAGA[C>T]GGTATGTAAATCAATGGGTGTGGCTGTGCTCCAGTAAAACTCACCAAAACCGGCAGCTGA-3'